The following is an entry in ClinVar:

NM_006389.5(HYOU1):c.1992+9T>C

Gene: HYOU1 (hypoxia up-regulated 1; minus strand). Cytogenetic location: 11q23.3.
Variant type: single nucleotide variant.
Coding change: c.1992+9T>C on transcript NM_006389.5 (MANE Select); 9 bases into the intron after coding-DNA position 1992, T replaced by C.
Molecular consequence: intron variant.
Genome position (GRCh38, 1-based): chr11:119,049,009, A>G on the plus strand (T>C on the coding strand, the complement: HYOU1 is on the minus strand). VCF-style: chr11-119049009-A-G. GRCh37 (hg19) VCF-style: chr11-118919721-A-G.
Other names: c.1992+9T>C (NM_001130991.3, NM_001411041.1).
Identifiers: ClinVar variation 3029711 (VCV003029711.2), dbSNP rs781865099, ClinGen allele CA229619564.

ClinVar aggregate classification (germline): Likely benign (0 of 4 stars; one submission).

Conditions:
HYOU1-related disorder. Also called: HYOU1-related condition.

Allele frequency attached by ClinVar (database versions not stated): gnomAD 0.00001; gnomAD exomes 0.00001; TOPMed 0.00001.
gnomAD v4.1: 22 of 1,613,674 alleles (0.0014%); highest among the groups gnomAD compares: Non-Finnish European, 0.0019%; no homozygotes.

Submission:

PreventionGenetics, part of Exact Sciences
Classification: Likely benign for HYOU1-related condition. Last evaluated: 2023-10-20. Review status: no assertion criteria provided. Collection method: clinical testing. Allele origin: germline.
Comment: This variant is classified as likely benign based on ACMG/AMP sequence variant interpretation guidelines (Richards et al. 2015 PMID: 25741868, with internal and published modifications).